The following is an entry in ClinVar:

ClinVar aggregate classification (germline): Likely pathogenic. Review status: criteria provided, single submitter (1 of 4 stars). 2 submissions from 2 submitters: Likely pathogenic (1). 1 of the submissions does not count toward it. Last evaluated 2022-11-10.

Conditions:
Cardiovascular phenotype. Identifiers: MedGen CN230736.
Familial long QT syndrome (RWS). Also called: Congenital long QT syndrome; Romano-Ward syndrome; VENTRICULAR FIBRILLATION WITH PROLONGED QT INTERVAL. Identifiers: Orphanet 768, MedGen C1141890, MONDO:0019171.

Submissions (2):

Ambry Genetics
Classification: Likely pathogenic for Cardiovascular phenotype. Last evaluated: 2022-11-10. Review status: criteria provided, single submitter. Criteria: Ambry Variant Classification Scheme 2023. Collection method: clinical testing. Allele origin: germline.
Comment: The p.R174P variant (also known as c.521G>C), located in coding exon 3 of the KCNQ1 gene, results from a G to C substitution at nucleotide position 521. The arginine at codon 174 is replaced by proline, an amino acid with dissimilar properties. This variant has been detected in individuals from long QT syndrome (LQTS) cohorts or with QTc intervals consistent with LQTS (Napolitano C et al. JAMA. 2005 Dec;294(23):2975-80; Schwartz PJ et al. Eur Heart J. 2021 12;42:4743-4755; Ambry internal data). Another alteration at the same codon, p.R174H (c.521G>A), has also been reported in association with LQTS (Splawski I et al. Circulation. 2000;102(10):1178-85). This variant is considered to be rare based on population cohorts in the Genome Aggregation Database (gnomAD). This amino acid position is highly conserved in available vertebrate species. In addition, this alteration is predicted to be deleterious by in silico analysis. Based on the majority of available evidence to date, this variant is likely to be pathogenic.

Cardiovascular Biomedical Research Unit, Royal Brompton & Harefield NHS Foundation Trust
No classification provided. Condition: Familial long QT syndrome. Review status: no classification provided. Collection method: literature only. Allele origin: germline. Not counted in ClinVar's aggregate classification.
Comment: This variant has been reported as associated with Long QT syndrome in the following publications (PMID:16414944). This is a literature report, and does not necessarily reflect the clinical interpretation of the Imperial College / Royal Brompton Cardiovascular Genetics laboratory.

Literature cited by the submitters: PubMed 34505893 (cited by Ambry Genetics); PubMed 16414944 (cited by Cardiovascular Biomedical Research Unit, Royal Brompton & Harefield NHS Foundation Trust); PubMed 22581653 (cited by Cardiovascular Biomedical Research Unit, Royal Brompton & Harefield NHS Foundation Trust).

NM_000218.3(KCNQ1):c.521G>C (p.Arg174Pro)

Gene: KCNQ1 (potassium voltage-gated channel subfamily Q member 1; plus strand). Cytogenetic location: 11p15.5.
Variant type: single nucleotide variant.
Coding change: c.521G>C on transcript NM_000218.3 (MANE Select); coding-DNA position 521, G replaced by C.
Protein change: p.Arg174Pro; replaces arginine 174 with proline.
Molecular consequence: missense variant.
Genome position (GRCh38, 1-based): chr11:2,570,671, G>C. VCF-style: chr11-2570671-G-C. GRCh37 (hg19) VCF-style: chr11-2591901-G-C.
Other names: c.521G>C (LRG_287t1); c.521G>C, p.Arg174Pro (NM_001406836.1); c.251G>C, p.Arg84Pro (NM_001406837.1); c.140G>C, p.Arg47Pro (NM_181798.2); short protein forms R174P, R47P, R84P.
Identifiers: ClinVar variation 53060 (VCV000053060.5), dbSNP rs199472697, ClinGen allele CA007337.
Genomic context (GRCh38, chr11:2,570,671, plus strand): 5'-CCACTCTGTCCCTGCAGGAGATCGTGCTGGTGGTGTTCTTCGGGACGGAGTACGTGGTCC[G>C]CCTCTGGTCCGCCGGCTGCCGCAGCAAGTACGTGGGCCTCTGGGGGCGGCTGCGCTTTGC-3'
Protein context (NP_000209.2, residues 164-184): VVFFGTEYVV[Arg174Pro]LWSAGCRSKY